The following is an entry in ClinVar:

ClinVar aggregate classification (germline): Likely benign. Review status: criteria provided, multiple submitters, no conflicts (2 of 4 stars). 5 submissions from 5 submitters: Likely benign (5). Last evaluated 2026-03-30.

Conditions:
PRKAG2-related disorder. Also called: PRKAG2-related condition; PRKAG2-related disorders.
Cardiovascular phenotype. Identifiers: MedGen CN230736.
Hypertrophic cardiomyopathy. Also called: HYPERTROPHIC MYOCARDIOPATHY. Identifiers: Orphanet 217569, MedGen C0007194, MeSH D002312, MONDO:0005045, HP:0001639.
Cardiomyopathy (CMYO). Also called: Cardiomyopathies. Identifiers: Orphanet 167848, MedGen C0878544, MONDO:0004994, HP:0001638. Inheritance: Various modes of inheritance.
Lethal congenital glycogen storage disease of heart. Also called: GLYCOGEN STORAGE DISEASE OF HEART; PHOSPHORYLASE KINASE DEFICIENCY OF HEART. Identifiers: Orphanet 439854, MedGen C1849813, MONDO:0009867, OMIM 261740.

Allele frequency attached by ClinVar (database versions not stated): TOPMed below 0.00001; ExAC 0.00001; gnomAD exomes 0.00001.
gnomAD v4.1: 7 of 1,614,196 alleles (0.00043%); highest among the groups gnomAD compares: East Asian, 0.016%; no homozygotes.

Submissions (5):

PreventionGenetics, part of Exact Sciences
Classification: Likely benign for PRKAG2-related condition. Last evaluated: 2026-03-30. Review status: criteria provided, single submitter. Criteria: ACMG Guidelines, 2015. Collection method: clinical testing. Allele origin: germline.
Comment: This variant is classified as likely benign based on ACMG/AMP sequence variant interpretation guidelines (Richards et al. 2015 PMID: 25741868, with internal and published modifications).

Ambry Genetics
Classification: Likely benign for Cardiovascular phenotype. Last evaluated: 2026-03-12. Review status: criteria provided, single submitter. Criteria: Ambry Variant Classification Scheme 2023. Collection method: clinical testing. Allele origin: germline.

Labcorp Genetics (formerly Invitae), Labcorp
Classification: Likely benign for Lethal congenital glycogen storage disease of heart. Last evaluated: 2025-11-01. Review status: criteria provided, single submitter. Criteria: Invitae Variant Classification Sherloc (09022015). Collection method: clinical testing. Allele origin: germline.

All of Us Research Program, National Institutes of Health
Classification: Likely benign for Hypertrophic cardiomyopathy. Last evaluated: 2023-11-20. Review status: criteria provided, single submitter. Criteria: ACMG Guidelines, 2015. Collection method: clinical testing. Allele origin: germline. Inheritance: Autosomal dominant inheritance. Observed: 1 variant allele, 1 heterozygote.
Comment: This study involves interpretation of variants in research participants for the purpose of population health screening. Participant phenotype was not available at the time of variant classification. Additional details can be found in publication PMID: 35346344, PMCID: PMC8962531

Color Diagnostics, LLC DBA Color Health
Classification: Likely benign for Cardiomyopathy. Last evaluated: 2022-11-06. Review status: criteria provided, single submitter. Criteria: ACMG Guidelines, 2015. Collection method: clinical testing. Allele origin: germline.

NM_016203.4(PRKAG2):c.528C>G (p.Pro176=)

Gene: PRKAG2 (protein kinase AMP-activated non-catalytic subunit gamma 2; minus strand). Cytogenetic location: 7q36.1.
Variant type: single nucleotide variant.
Coding change: c.528C>G on transcript NM_016203.4 (MANE Select); coding-DNA position 528, C replaced by G.
Protein change: p.Pro176=; no amino-acid change (proline 176 retained).
Molecular consequence: synonymous variant. On other transcripts: intron variant (5).
Genome position (GRCh38, 1-based): chr7:151,675,576, G>C on the plus strand (C>G on the coding strand, the complement: PRKAG2 is on the minus strand). VCF-style: chr7-151675576-G-C. GRCh37 (hg19) VCF-style: chr7-151372662-G-C.
Other names: c.528C>G (NM_016203.3); c.396C>G, p.Pro132= (NM_001040633.2, NM_001407024.1, NM_001407026.1 and 1 more transcripts); c.156C>G, p.Pro52= (NM_001304527.2, NM_001363698.2, NM_001407028.1 and 1 more transcripts); c.528C>G, p.Pro176= (NM_001407021.1, NM_001407022.1, NM_001407023.1); c.210C>G, p.Pro70= (NM_001407032.1); c.467-80125C>G (NM_001407031.1); c.467-80122C>G (NM_001407030.1); c.361-43438C>G (NM_001407033.1); and 2 more.
Identifiers: ClinVar variation 2157682 (VCV002157682.9), dbSNP rs763753522, ClinGen allele CA057422.